The following is an entry in ClinVar:

NM_003924.4(PHOX2B):c.639C>G (p.Gly213=)

Gene: PHOX2B (paired like homeobox 2B; minus strand). Cytogenetic location: 4p13.
Variant type: single nucleotide variant.
Coding change: c.639C>G on transcript NM_003924.4 (MANE Select); coding-DNA position 639, C replaced by G.
Protein change: p.Gly213=; no amino-acid change (glycine 213 retained).
Molecular consequence: synonymous variant.
Genome position (GRCh38, 1-based): chr4:41,746,113, G>C on the plus strand (C>G on the coding strand, the complement: PHOX2B is on the minus strand). VCF-style: chr4-41746113-G-C. GRCh37 (hg19) VCF-style: chr4-41748130-G-C.
Identifiers: ClinVar variation 239588 (VCV000239588.48), dbSNP rs17879258, ClinGen allele CA2901468.

ClinVar aggregate classification (germline): Benign/Likely benign. Review status: criteria provided, multiple submitters, no conflicts (2 of 4 stars). 10 submissions from 9 submitters: Benign (1); Likely benign (9). Last evaluated 2026-03-01.

Conditions:
Hereditary cancer-predisposing syndrome. Also called: Tumor predisposition; Hereditary neoplastic syndrome; Neoplastic Syndromes, Hereditary; Hereditary Cancer Syndrome. Identifiers: Orphanet 140162, MedGen C0027672, MeSH D009386, MONDO:0015356.
Haddad syndrome (OHD). Also called: Ondine-Hirschsprung disease. Identifiers: Orphanet 99803, MedGen C1859049, MONDO:0020493.
Neuroblastoma, susceptibility to, 2. Identifiers: Orphanet 635, MedGen C2751682, MONDO:0700041, OMIM 613013.
Congenital central hypoventilation. Also called: Congenital Central Hypoventilation Syndrome. Identifiers: Orphanet 661, Orphanet 99803, MedGen C1275808, MONDO:0800031. Disease mechanism: gain of function.

Allele frequency attached by ClinVar (database versions not stated): gnomAD 0.00039; TOPMed 0.00045; ESP Exome Variant Server 0.00054; 1000 Genomes Project 30x 0.00062.

Submissions (10):

CeGaT Center for Human Genetics Tuebingen
Classification: Likely benign. Last evaluated: 2026-03-01. Review status: criteria provided, single submitter. Criteria: CeGaT Center For Human Genetics Tuebingen Variant Classification Criteria Version 2. Collection method: clinical testing. Allele origin: germline. Affected: yes. Observed: 3 variant alleles.
Comment: PHOX2B: BP4, BP7

Labcorp Genetics (formerly Invitae), Labcorp
Classification: Likely benign for Haddad syndrome. Last evaluated: 2025-11-10. Review status: criteria provided, single submitter. Criteria: Invitae Variant Classification Sherloc (09022015). Collection method: clinical testing. Allele origin: germline.

Blueprint Genetics
Classification: Likely benign. Last evaluated: 2024-11-08. Review status: criteria provided, single submitter. Criteria: ACMG Guidelines, 2015. Collection method: clinical testing. Allele origin: germline.

Women's Health and Genetics/Laboratory Corporation of America, LabCorp
Classification: Benign. Last evaluated: 2022-05-06. Review status: criteria provided, single submitter. Criteria: LabCorp Variant Classification Summary - May 2015. Collection method: clinical testing. Allele origin: germline.

Genetic Services Laboratory, University of Chicago
Classification: Likely benign. Last evaluated: 2021-12-16. Review status: criteria provided, single submitter. Criteria: ACMG Guidelines, 2015. Collection method: clinical testing. Allele origin: germline. Affected: no.

Sema4
Classification: Likely benign for Hereditary cancer-predisposing syndrome. Last evaluated: 2020-12-18. Review status: criteria provided, single submitter. Criteria: Sema4 Curation Guidelines. Collection method: curation. Allele origin: germline.

GeneDx
Classification: Likely benign. Last evaluated: 2017-06-26. Review status: criteria provided, single submitter. Criteria: GeneDx Variant Classification (06012015). Collection method: clinical testing. Allele origin: germline. Affected: yes.
Comment: This variant is considered likely benign or benign based on one or more of the following criteria: it is a conservative change, it occurs at a poorly conserved position in the protein, it is predicted to be benign by multiple in silico algorithms, and/or has population frequency not consistent with disease.

Illumina Laboratory Services, Illumina
Classification: Likely benign for Neuroblastoma, susceptibility to, 2. Last evaluated: 2017-04-27. Review status: criteria provided, single submitter. Criteria: ICSL Variant Classification Criteria 13 December 2019. Collection method: clinical testing. Allele origin: germline.
Comment: This variant was observed as part of a predisposition screen in an ostensibly healthy population. A literature search was performed for the gene, cDNA change, and amino acid change (where applicable). Publications were found based on this search. The evidence from the literature, in combination with allele frequency data from public databases where available, was sufficient to determine this variant is unlikely to cause disease. Therefore, this variant is classified as likely benign.

Illumina Laboratory Services, Illumina
Classification: Likely benign for Central hypoventilation syndrome, congenital, 1, with or without Hirschsprung disease. Last evaluated: 2017-04-27. Review status: criteria provided, single submitter. Criteria: ICSL Variant Classification Criteria 13 December 2019. Collection method: clinical testing. Allele origin: germline.
Comment: This variant was observed as part of a predisposition screen in an ostensibly healthy population. A literature search was performed for the gene, cDNA change, and amino acid change (where applicable). No publications were found based on this search. Allele frequency data from public databases allowed determination this variant is unlikely to cause disease. Therefore, this variant is classified as likely benign.

Ambry Genetics
Classification: Likely benign for Hereditary cancer-predisposing syndrome. Last evaluated: 2014-06-23. Review status: criteria provided, single submitter. Criteria: Ambry Variant Classification Scheme 2023. Collection method: clinical testing. Allele origin: germline.

Literature cited by the submitters: PubMed 19011468 (cited by Illumina Laboratory Services, Illumina).